The following is an entry in ClinVar:

NM_001385641.1(SAMD11):c.1430G>T (p.Arg477Met)

Gene: SAMD11 (sterile alpha motif domain containing 11; plus strand). Cytogenetic location: 1p36.33.
Variant type: single nucleotide variant.
Coding change: c.1430G>T on transcript NM_001385641.1 (MANE Select); coding-DNA position 1430, G replaced by T.
Protein change: p.Arg477Met; replaces arginine 477 with methionine.
Molecular consequence: missense variant.
Genome position (GRCh38, 1-based): chr1:942,207, G>T. VCF-style: chr1-942207-G-T. GRCh37 (hg19) VCF-style: chr1-877587-G-T.
Other names: c.1433G>T, p.Arg478Met (NM_001385640.1); c.941G>T, p.Arg314Met (NM_152486.4); short protein forms R314M, R477M, R478M.
Identifiers: ClinVar variation 934457 (VCV000934457.5), dbSNP rs1641817090, ClinGen allele CA337806748.
Genomic context (GRCh38, chr1:942,207, plus strand): 5'-AGCCGCCCCCCTTGCTGTCGCCGCAGAATGCCCCTCACGTCGCCCTGGGCCCCCATCTCA[G>T]GCCCCCCTTCCTGGGGGTGCCCTCGGCTCTGTGCCAGACCCCAGGTGAGGAGGCGGGTGC-3'
Protein context (NP_001372570.1, residues 467-487): APHVALGPHL[Arg477Met]PPFLGVPSAL

ClinVar aggregate classification (germline): Uncertain significance. Review status: criteria provided, multiple submitters, no conflicts (2 of 4 stars). 2 submissions from 2 submitters: Uncertain significance (2). Last evaluated 2025-11-03.

Allele frequency attached by ClinVar (database versions not stated): gnomAD 0.00003; TOPMed 0.00005; gnomAD exomes below 0.00001.
gnomAD v4.1: 8 of 1,368,470 alleles (0.00058%); highest among the groups gnomAD compares: Admixed American, 0.009%; no homozygotes.

Submissions (2):

Ambry Genetics
Classification: Uncertain significance. Last evaluated: 2025-11-03. Review status: criteria provided, single submitter. Criteria: Ambry Variant Classification Scheme 2023. Collection method: clinical testing. Allele origin: germline.

Labcorp Genetics (formerly Invitae), Labcorp
Classification: Uncertain significance. Last evaluated: 2022-08-09. Review status: criteria provided, single submitter. Criteria: Invitae Variant Classification Sherloc (09022015). Collection method: clinical testing. Allele origin: germline.
Comment: This sequence change replaces arginine, which is basic and polar, with methionine, which is neutral and non-polar, at codon 314 of the SAMD11 protein (p.Arg314Met). This variant is not present in population databases (gnomAD no frequency). This variant has not been reported in the literature in individuals affected with SAMD11-related conditions. ClinVar contains an entry for this variant (Variation ID: 934457). Algorithms developed to predict the effect of missense changes on protein structure and function are either unavailable or do not agree on the potential impact of this missense change (SIFT: "Deleterious"; PolyPhen-2: "Probably Damaging"; Align-GVGD: "Class C0"). In summary, the available evidence is currently insufficient to determine the role of this variant in disease. Therefore, it has been classified as a Variant of Uncertain Significance.